The following is an entry in ClinVar:

ClinVar aggregate classification (germline): Likely benign. Review status: criteria provided, multiple submitters, no conflicts (2 of 4 stars). 6 submissions from 6 submitters: Likely benign (6). Last evaluated 2026-09-01.

Conditions:
Primary ciliary dyskinesia. Also called: Ciliary dyskinesia. Identifiers: Orphanet 244, MedGen C0008780, MONDO:0016575, HP:0012265.

Allele frequency attached by ClinVar (database versions not stated): gnomAD 0.00055 and 0.00056; ExAC 0.00139.

Submissions (6):

CeGaT Center for Human Genetics Tuebingen
Classification: Likely benign. Last evaluated: 2026-09-01. Review status: criteria provided, single submitter. Criteria: CeGaT Center For Human Genetics Tuebingen Variant Classification Criteria Version 2. Collection method: clinical testing. Allele origin: germline. Affected: yes. Observed: 10 variant alleles.
Comment: RPGR: BP4, BP7

Blueprint Genetics
Classification: Likely benign. Last evaluated: 2024-11-27. Review status: criteria provided, single submitter. Criteria: ACMG Guidelines, 2015. Collection method: clinical testing. Allele origin: germline.

Labcorp Genetics (formerly Invitae), Labcorp
Classification: Likely benign for Primary ciliary dyskinesia. Last evaluated: 2022-11-01. Review status: criteria provided, single submitter. Criteria: Invitae Variant Classification Sherloc (09022015). Collection method: clinical testing. Allele origin: germline.

PreventionGenetics, part of Exact Sciences
Classification: Likely benign. Last evaluated: 2021-12-08. Review status: criteria provided, single submitter. Criteria: ACMG Guidelines, 2015. Collection method: clinical testing. Allele origin: germline.

GeneDx
Classification: Likely benign. Last evaluated: 2019-10-05. Review status: criteria provided, single submitter. Criteria: GeneDx Variant Classification Process June 2021. Collection method: clinical testing. Allele origin: germline. Affected: yes.

Breakthrough Genomics
Classification: Likely benign. Review status: criteria provided, single submitter. Criteria: ACMG Guidelines, 2015. Collection method: not provided. Allele origin: germline. Inheritance: X-linked inheritance. Affected: yes.

NM_001034853.2(RPGR):c.2895G>A (p.Glu965=)

Gene: RPGR (retinitis pigmentosa GTPase regulator; minus strand). Cytogenetic location: Xp11.4.
Variant type: single nucleotide variant.
Coding change: c.2895G>A on transcript NM_001034853.2 (MANE Select); coding-DNA position 2895, G replaced by A.
Protein change: p.Glu965=; no amino-acid change (glutamic acid 965 retained).
Molecular consequence: synonymous variant. On other transcripts: intron variant (8).
Genome position (GRCh38, 1-based): chrX:38,286,104, C>T on the plus strand (G>A on the coding strand, the complement: RPGR is on the minus strand). VCF-style: chrX-38286104-C-T. GRCh37 (hg19) VCF-style: chrX-38145357-C-T.
Other names: c.1569+4855G>A (NM_001367249.1, NM_001367250.1); c.1902+990G>A (NM_001367245.1); c.1386+4855G>A (NM_001367251.1); c.1719+990G>A (NM_001367246.1); c.1572+4855G>A (NM_001367247.1); c.1905+990G>A (NM_000328.3); c.1602+4855G>A (NM_001367248.1).
Identifiers: ClinVar variation 1219819 (VCV001219819.19), dbSNP rs762437958, ClinGen allele CA10385240.
Genomic context (GRCh38, chrX:38,286,104, plus strand): 5'-TTCCTCCTCTTCCCCCTCCCCTTCTCCTTCCTCCCCTTCCCCTTCTCCTTCCTCTTCCCC[C>T]TCCCCTTCTCCTTCCTCCTCTTCCCCCTCCCATTCTCCTTCCTCCTCTTCCCCCTCCCCT-3'
Protein context (NP_001030025.1, residues 955-975): WEGEEEEGEG[Glu965=]GEEEGEGEGE